The following is an entry in ClinVar:

ClinVar aggregate classification (germline): Uncertain significance. Review status: criteria provided, multiple submitters, no conflicts (2 of 4 stars). 2 submissions from 2 submitters: Uncertain significance (2). Last evaluated 2025-11-20.

Conditions:
MAGEL2-related disorder. Also called: MAGEL2-related condition.

Allele frequency attached by ClinVar (database versions not stated): ExAC 0.00001; gnomAD 0.00001; TOPMed 0.00001.
gnomAD v4.1: 1 of 1,613,398 alleles (0.000062%); highest among the groups gnomAD compares: Admixed American, 0.0017%; no homozygotes.

Submissions (2):

PreventionGenetics, part of Exact Sciences
Classification: Uncertain significance for MAGEL2-related condition. Last evaluated: 2025-11-20. Review status: criteria provided, single submitter. Criteria: ACMG Guidelines, 2015. Collection method: clinical testing. Allele origin: germline.
Comment: The MAGEL2 c.2195C>T variant is predicted to result in the amino acid substitution p.Ser732Phe. To our knowledge, this variant has not been reported in the literature. This variant is reported in 0.0029% of alleles in individuals of Latino descent in gnomAD. At this time, the clinical significance of this variant is uncertain due to the absence of conclusive functional and genetic evidence.

Labcorp Genetics (formerly Invitae), Labcorp
Classification: Uncertain significance. Last evaluated: 2023-06-27. Review status: criteria provided, single submitter. Criteria: Invitae Variant Classification Sherloc (09022015). Collection method: clinical testing. Allele origin: germline.
Comment: In summary, the available evidence is currently insufficient to determine the role of this variant in disease. Therefore, it has been classified as a Variant of Uncertain Significance. Advanced modeling of protein sequence and biophysical properties (such as structural, functional, and spatial information, amino acid conservation, physicochemical variation, residue mobility, and thermodynamic stability) has been performed at Invitae for this missense variant, however the output from this modeling did not meet the statistical confidence thresholds required to predict the impact of this variant on MAGEL2 protein function. This variant has not been reported in the literature in individuals affected with MAGEL2-related conditions. This variant is present in population databases (rs758856945, gnomAD 0.003%). This sequence change replaces serine, which is neutral and polar, with phenylalanine, which is neutral and non-polar, at codon 732 of the MAGEL2 protein (p.Ser732Phe).

NM_019066.5(MAGEL2):c.2195C>T (p.Ser732Phe)

Gene: MAGEL2 (MAGE family member L2; minus strand). Cytogenetic location: 15q11.2.
Variant type: single nucleotide variant.
Coding change: c.2195C>T on transcript NM_019066.5 (MANE Select); coding-DNA position 2195, C replaced by T.
Protein change: p.Ser732Phe; replaces serine 732 with phenylalanine.
Molecular consequence: missense variant.
Genome position (GRCh38, 1-based): chr15:23,645,548, G>A on the plus strand (C>T on the coding strand, the complement: MAGEL2 is on the minus strand). VCF-style: chr15-23645548-G-A. GRCh37 (hg19) VCF-style: chr15-23890695-G-A.
Other names: c.2195C>T (NM_019066.4); short protein forms S732F.
Identifiers: ClinVar variation 2739517 (VCV002739517.4), dbSNP rs758856945, ClinGen allele CA7429944.